The following is an entry in ClinVar:

NM_006073.4(TRDN):c.550G>T (p.Ala184Ser)

Gene: TRDN (triadin; minus strand). Cytogenetic location: 6q22.31.
Variant type: single nucleotide variant.
Coding change: c.550G>T on transcript NM_006073.4 (MANE Select); coding-DNA position 550, G replaced by T.
Protein change: p.Ala184Ser; replaces alanine 184 with serine.
Molecular consequence: missense variant.
Genome position (GRCh38, 1-based): chr6:123,516,141, C>A on the plus strand (G>T on the coding strand, the complement: TRDN is on the minus strand). VCF-style: chr6-123516141-C-A. GRCh37 (hg19) VCF-style: chr6-123837286-C-A.
Other names: c.550G>T, p.Ala184Ser (NM_001251987.2, NM_001256020.2, NM_001256021.2); short protein forms A184S.
Identifiers: ClinVar variation 463678 (VCV000463678.14), dbSNP rs576028226, ClinGen allele CA3984346.

ClinVar aggregate classification (germline): Uncertain significance. Review status: criteria provided, multiple submitters, no conflicts (2 of 4 stars). 4 submissions from 4 submitters: Uncertain significance (4). Last evaluated 2023-09-29.

Conditions:
Cardiovascular phenotype. Identifiers: MedGen CN230736.
Catecholaminergic polymorphic ventricular tachycardia 5 (CARDAR). Also called: Ventricular tachycardia, catecholaminergic polymorphic, 5, with or without muscle weakness; CARDIAC ARRHYTHMIA SYNDROME, WITH OR WITHOUT SKELETAL MUSCLE WEAKNESS. Identifiers: Orphanet 3286, MedGen C3809536, MONDO:0014191, OMIM 615441.
Catecholaminergic polymorphic ventricular tachycardia 1. Also called: VENTRICULAR TACHYCARDIA, STRESS-INDUCED POLYMORPHIC 1; VENTRICULAR TACHYCARDIA, CATECHOLAMINERGIC POLYMORPHIC, 1, WITH OR WITHOUT ATRIAL DYSFUNCTION AND/OR DILATED CARDIOMYOPATHY; RYR2-Related Catecholaminergic Polymorphic Ventricular Tachycardia. Identifiers: Orphanet 3286, MedGen C1631597, MONDO:0011484, OMIM 604772.

Allele frequency attached by ClinVar (database versions not stated): ExAC 0.00005; TOPMed 0.00005; gnomAD 0.00006; 1000 Genomes Project 0.00020; 1000 Genomes Project 30x 0.00031.
gnomAD v4.1: 155 of 1,488,968 alleles (0.01%); highest among the groups gnomAD compares: Non-Finnish European, 0.014%; no homozygotes.

Submissions (4):

Ambry Genetics
Classification: Uncertain significance for Cardiovascular phenotype. Last evaluated: 2023-09-29. Review status: criteria provided, single submitter. Criteria: Ambry Variant Classification Scheme 2023. Collection method: clinical testing. Allele origin: germline.
Comment: The p.A184S variant (also known as c.550G>T), located in coding exon 6 of the TRDN gene, results from a G to T substitution at nucleotide position 550. The alanine at codon 184 is replaced by serine, an amino acid with similar properties. However, this change occurs in the last base pair of coding exon 6, which makes it likely to have some effect on normal mRNA splicing. The nucleotide and amino acid positions are highly conserved in available vertebrate species. In silico splice site analysis predicts that this alteration will weaken the native splice donor site. In addition, as a missense substitution this is predicted to be tolerated by in silico analysis. Since supporting evidence is limited at this time, the clinical significance of this alteration remains unclear.

Labcorp Genetics (formerly Invitae), Labcorp
Classification: Uncertain significance for Catecholaminergic polymorphic ventricular tachycardia 1. Last evaluated: 2022-03-08. Review status: criteria provided, single submitter. Criteria: Invitae Variant Classification Sherloc (09022015). Collection method: clinical testing. Allele origin: germline.
Comment: This sequence change replaces alanine, which is neutral and non-polar, with serine, which is neutral and polar, at codon 184 of the TRDN protein (p.Ala184Ser). This variant also falls at the last nucleotide of exon 6, which is part of the consensus splice site for this exon. The frequency data for this variant in the population databases is considered unreliable, as metrics indicate poor data quality at this position in the gnomAD database. This variant has not been reported in the literature in individuals affected with TRDN-related conditions. ClinVar contains an entry for this variant (Variation ID: 463678). Algorithms developed to predict the effect of missense changes on protein structure and function are either unavailable or do not agree on the potential impact of this missense change (SIFT: "Tolerated"; PolyPhen-2: "Not Available"; Align-GVGD: "Class C0"). Variants that disrupt the consensus splice site are a relatively common cause of aberrant splicing (PMID: 17576681, 9536098). Algorithms developed to predict the effect of sequence changes on RNA splicing suggest that this variant may disrupt the consensus splice site. In summary, the available evidence is currently insufficient to determine the role of this variant in disease. Therefore, it has been classified as a Variant of Uncertain Significance.

Fulgent Genetics
Classification: Uncertain significance for Catecholaminergic polymorphic ventricular tachycardia 1; Catecholaminergic polymorphic ventricular tachycardia 5. Last evaluated: 2021-10-19. Review status: criteria provided, single submitter. Criteria: ACMG Guidelines, 2015. Collection method: clinical testing. Allele origin: unknown.

GeneDx
Classification: Uncertain significance. Last evaluated: 2021-09-30. Review status: criteria provided, single submitter. Criteria: GeneDx Variant Classification Process June 2021. Collection method: clinical testing. Allele origin: germline. Affected: yes.
Comment: Has not been previously published as pathogenic or benign to our knowledge; Not observed at significant frequency in large population cohorts (Lek et al., 2016); Located at the last nucleotide of exon 6 at a position that is conserved across species and in silico splicing algorithms predict this variant damages or destroys the natural splice donor site of intron 6, which may affect normal gene splicing; however, in the absence of functional mRNA studies, the physiological consequence of this variant cannot be precisely determined; Reported as a variant of uncertain significance by another clinical laboratory in ClinVar (ClinVar Variant ID#463678; Landrum et al., 2016); This variant is associated with the following publications: (PMID: 26582918)

Literature cited by the submitters: PubMed 17576681 (cited by Labcorp Genetics (formerly Invitae), Labcorp); PubMed 9536098 (cited by Labcorp Genetics (formerly Invitae), Labcorp).